The following is an entry in ClinVar:

NM_020738.4(KIDINS220):c.3296C>A (p.Pro1099Gln)

Gene: KIDINS220 (kinase D interacting substrate 220; minus strand). Cytogenetic location: 2p25.1.
Variant type: single nucleotide variant.
Coding change: c.3296C>A on transcript NM_020738.4 (MANE Select); coding-DNA position 3296, C replaced by A.
Protein change: p.Pro1099Gln; replaces proline 1099 with glutamine.
Molecular consequence: missense variant. On other transcripts: non-coding transcript variant (2).
Genome position (GRCh38, 1-based): chr2:8,750,230, G>T on the plus strand (C>A on the coding strand, the complement: KIDINS220 is on the minus strand). VCF-style: chr2-8750230-G-T. GRCh37 (hg19) VCF-style: chr2-8890360-G-T.
Other names: c.3299C>A, p.Pro1100Gln (NM_001348729.2, NM_001348731.2, NM_001348734.2 and 2 more transcripts); c.3296C>A, p.Pro1099Gln (NM_001348732.2, NM_001348735.2, NM_001348738.2 and 3 more transcripts); c.3170C>A, p.Pro1057Gln (NM_001348736.2); short protein forms P1057Q, P1099Q, P1100Q.
Identifiers: ClinVar variation 2634399 (VCV002634399.3), dbSNP rs763733199, ClinGen allele CA1519709.
Genomic context (GRCh38, chr2:8,750,230, plus strand): 5'-TGTGGTGACACCACTCCACCTGCGAAGGGCCCATTGAAGGACGTGGAAGAGCACACGGAT[G>T]GGGGCTGGCTGTACCCTGATGGCGCCCTAGGAGGACCCTCATGTAGAGGGAGCGGGGGGT-3'
Protein context (NP_065789.1, residues 1089-1109): PRAPSGYSQP[Pro1099Gln]SVCSSTSFNG

ClinVar aggregate classification (germline): Uncertain significance (1 of 4 stars; one submission).

Conditions:
KIDINS220-related disorder. Also called: KIDINS220-related condition.

Allele frequency attached by ClinVar (database versions not stated): gnomAD 0.00001; ExAC 0.00002; gnomAD exomes 0.00002; TOPMed 0.00002.
gnomAD v4.1: 40 of 1,614,050 alleles (0.0025%); highest among the groups gnomAD compares: Non-Finnish European, 0.0029%; no homozygotes.

Submission:

PreventionGenetics, part of Exact Sciences
Classification: Uncertain significance for KIDINS220-related condition. Last evaluated: 2026-06-29. Review status: criteria provided, single submitter. Criteria: ACMG Guidelines, 2015. Collection method: clinical testing. Allele origin: germline.
Comment: The KIDINS220 c.3296C>A variant is predicted to result in the amino acid substitution p.Pro1099Gln. To our knowledge, this variant has not been reported in the literature. This variant is reported in 0.0044% of alleles in individuals of European (Non-Finnish) descent in gnomAD. At this time, the clinical significance of this variant is uncertain due to the absence of conclusive functional and genetic evidence.